The following is an entry in ClinVar:

NM_000493.4(COL10A1):c.1611C>T (p.Thr537=)

Genes: COL10A1 (collagen type X alpha 1 chain; minus strand), NT5DC1 (5'-nucleotidase domain containing 1; plus strand). Cytogenetic location: 6q22.1.
Variant type: single nucleotide variant.
Coding change: c.1611C>T on transcript NM_000493.4 (MANE Select); coding-DNA position 1611, C replaced by T.
Protein change: p.Thr537=; no amino-acid change (threonine 537 retained).
Molecular consequence: synonymous variant. On other transcripts: intron variant (1).
Genome position (GRCh38, 1-based): chr6:116,120,505, G>A on the plus strand (C>T on the coding strand, the complement: COL10A1 is on the minus strand). VCF-style: chr6-116120505-G-A. GRCh37 (hg19) VCF-style: chr6-116441668-G-A.
Other names: c.1611C>T, p.Thr537= (NM_001424106.1, NM_001424107.1); c.529+2560G>A (NM_152729.3).
Identifiers: ClinVar variation 355092 (VCV000355092.12), dbSNP rs199714647, ClinGen allele CA3968143.

ClinVar aggregate classification (germline): Likely benign. Review status: criteria provided, multiple submitters, no conflicts (2 of 4 stars). 3 submissions from 3 submitters: Likely benign (3). Last evaluated 2025-03-17.

Conditions:
Metaphyseal chondrodysplasia, Schmid type (MCDS). Also called: SPONDYLOMETAPHYSEAL DYSPLASIA, JAPANESE TYPE. Identifiers: Orphanet 174, MedGen C0265289, MONDO:0007983, OMIM 156500.

Allele frequency attached by ClinVar (database versions not stated): gnomAD exomes 0.00001; ExAC 0.00002; gnomAD 0.00003; TOPMed 0.00004; ESP Exome Variant Server 0.00008.
gnomAD v4.1: 22 of 1,614,044 alleles (0.0014%); highest among the groups gnomAD compares: East Asian, 0.0045%; no homozygotes.

Submissions (3):

Labcorp Genetics (formerly Invitae), Labcorp
Classification: Likely benign. Last evaluated: 2025-03-17. Review status: criteria provided, single submitter. Criteria: Invitae Variant Classification Sherloc (09022015). Collection method: clinical testing. Allele origin: germline.

Blueprint Genetics
Classification: Likely benign. Last evaluated: 2023-09-13. Review status: criteria provided, single submitter. Criteria: ACMG Guidelines, 2015. Collection method: clinical testing. Allele origin: germline.

Illumina Laboratory Services, Illumina
Classification: Likely benign for Metaphyseal chondrodysplasia, Schmid type. Last evaluated: 2018-01-12. Review status: criteria provided, single submitter. Criteria: ICSL Variant Classification Criteria 13 December 2019. Collection method: clinical testing. Allele origin: germline.
Comment: This variant was observed in the ICSL laboratory as part of a predisposition screen in an ostensibly healthy population. It had not been previously curated by ICSL or reported in the Human Gene Mutation Database (HGMD: prior to June 1st, 2018), and was therefore a candidate for classification through an automated scoring system. Utilizing variant allele frequency, disease prevalence and penetrance estimates, and inheritance mode, an automated score was calculated to assess if this variant is too frequent to cause the disease. Based on the score and internal cut-off values, a variant classified as likely benign is not then subjected to further curation. The score for this variant resulted in a classification of likely benign for this disease.